The following is an entry in ClinVar:

ClinVar aggregate classification (germline): Uncertain significance. Review status: criteria provided, multiple submitters, no conflicts (2 of 4 stars). 8 submissions from 8 submitters: Uncertain significance (8). Last evaluated 2026-06-21.

Conditions:
Joubert syndrome. Also called: Familial aplasia of the vermis; JOUBERT-BOLTSHAUSER SYNDROME. Identifiers: Orphanet 475, MedGen C5979921, MONDO:0018772.
ARL13B-related disorder. Also called: ARL13B-related condition.
Inborn genetic diseases. Identifiers: MedGen C0950123, MeSH D030342.
Joubert syndrome 8 (JBTS8). Identifiers: Orphanet 475, MedGen C2676771, MONDO:0012855, OMIM 612291.

Allele frequency attached by ClinVar (database versions not stated): gnomAD exomes 0.00004 and 0.00006; ExAC 0.00006; ESP Exome Variant Server 0.00015; 1000 Genomes Project 30x 0.00016; 1000 Genomes Project 0.00020; gnomAD 0.00027 and 0.00033; TOPMed 0.00032.
gnomAD v4.1: 99 of 1,611,832 alleles (0.0061%); highest among the groups gnomAD compares: African/African-American, 0.084%; no homozygotes.

Submissions (8):

PreventionGenetics, part of Exact Sciences
Classification: Uncertain significance for ARL13B-related condition. Last evaluated: 2026-06-21. Review status: criteria provided, single submitter. Criteria: ACMG Guidelines, 2015. Collection method: clinical testing. Allele origin: germline.
Comment: The ARL13B c.1217A>G variant is predicted to result in the amino acid substitution p.Tyr406Cys. To our knowledge, this variant has not been reported in the literature. This variant is reported in 0.056% of alleles in individuals of African descent in gnomAD. Although we suspect that this variant may be benign, at this time, the clinical significance of this variant is uncertain due to the absence of conclusive functional and genetic evidence.

Ambry Genetics
Classification: Uncertain significance for Inborn genetic diseases. Last evaluated: 2025-07-15. Review status: criteria provided, single submitter. Criteria: Ambry Variant Classification Scheme 2023. Collection method: clinical testing. Allele origin: germline.

GeneDx
Classification: Uncertain significance. Last evaluated: 2025-03-04. Review status: criteria provided, single submitter. Criteria: GeneDx Variant Classification Process June 2021. Collection method: clinical testing. Allele origin: germline.
Comment: In silico analysis supports that this missense variant has a deleterious effect on protein structure/function; Has not been previously published as pathogenic or benign to our knowledge; This variant is associated with the following publications: (PMID: 18674751)

Blueprint Genetics
Classification: Uncertain significance. Last evaluated: 2024-06-10. Review status: criteria provided, single submitter. Criteria: ACMG Guidelines, 2015. Collection method: clinical testing. Allele origin: germline.

Fulgent Genetics
Classification: Uncertain significance for Joubert syndrome 8. Last evaluated: 2024-05-23. Review status: criteria provided, single submitter. Criteria: ACMG Guidelines, 2015. Collection method: clinical testing. Allele origin: germline.

Department of Pathology and Laboratory Medicine, Sinai Health System
Classification: Uncertain significance for Joubert syndrome. Last evaluated: 2023-02-24. Review status: criteria provided, single submitter. Criteria: ACMG Guidelines, 2015. Collection method: research. Allele origin: germline.

Labcorp Genetics (formerly Invitae), Labcorp
Classification: Uncertain significance for Joubert syndrome 8. Last evaluated: 2022-10-13. Review status: criteria provided, single submitter. Criteria: Invitae Variant Classification Sherloc (09022015). Collection method: clinical testing. Allele origin: germline.
Comment: This sequence change replaces tyrosine, which is neutral and polar, with cysteine, which is neutral and slightly polar, at codon 406 of the ARL13B protein (p.Tyr406Cys). This variant is present in population databases (rs149679906, gnomAD 0.05%). This variant has not been reported in the literature in individuals affected with ARL13B-related conditions. ClinVar contains an entry for this variant (Variation ID: 948287). Algorithms developed to predict the effect of missense changes on protein structure and function are either unavailable or do not agree on the potential impact of this missense change (SIFT: "Tolerated"; PolyPhen-2: "Probably Damaging"; Align-GVGD: "Class C0"). In summary, the available evidence is currently insufficient to determine the role of this variant in disease. Therefore, it has been classified as a Variant of Uncertain Significance.

Revvity Omics, Revvity
Classification: Uncertain significance for Joubert syndrome 8. Last evaluated: 2021-11-22. Review status: criteria provided, single submitter. Criteria: ACMG Guidelines, 2015. Collection method: clinical testing. Allele origin: germline.

NM_001174150.2(ARL13B):c.1217A>G (p.Tyr406Cys)

Gene: ARL13B (ARF like GTPase 13B; plus strand). Cytogenetic location: 3q11.2.
Variant type: single nucleotide variant.
Coding change: c.1217A>G on transcript NM_001174150.2 (MANE Select); coding-DNA position 1217, A replaced by G.
Protein change: p.Tyr406Cys; replaces tyrosine 406 with cysteine.
Molecular consequence: missense variant. On other transcripts: non-coding transcript variant (2).
Genome position (GRCh38, 1-based): chr3:94,053,193, A>G. VCF-style: chr3-94053193-A-G. GRCh37 (hg19) VCF-style: chr3-93772037-A-G.
Other names: c.908A>G, p.Tyr303Cys (NM_001174151.2); c.1172A>G, p.Tyr391Cys (NM_001321328.2); c.896A>G, p.Tyr299Cys (NM_144996.4); c.1217A>G, p.Tyr406Cys (NM_182896.3); short protein forms Y299C, Y303C, Y391C, Y406C.
Identifiers: ClinVar variation 948287 (VCV000948287.15), dbSNP rs149679906, ClinGen allele CA2504321.
Genomic context (GRCh38, chr3:94,053,193, plus strand): 5'-AAATCTTGATGTACCATAACTGTTTTGTGCATTTGGTTTTCTTTCTTTTCTTAGATTTCT[A>G]TAGGAAGCCACTGCCTCCCCTGGCTGTGCCACAGCGACCTAACAGTGATGCTCATGATGT-3'
Protein context (NP_001167621.1, residues 396-416): PLGETHHNDF[Tyr406Cys]RKPLPPLAVP